The following is an entry in ClinVar:

ClinVar aggregate classification (germline): Uncertain significance. Review status: criteria provided, multiple submitters, no conflicts (2 of 4 stars). 2 submissions from 2 submitters: Uncertain significance (2). Last evaluated 2025-12-24.

Conditions:
Inborn genetic diseases. Identifiers: MedGen C0950123, MeSH D030342.

Allele frequency attached by ClinVar (database versions not stated): gnomAD exomes 0.00002.
gnomAD v4.1: 18 of 1,209,707 alleles (0.0015%); highest among the groups gnomAD compares: Non-Finnish European, 0.002%; no homozygotes.

Submissions (2):

GeneDx
Classification: Uncertain significance. Last evaluated: 2025-12-24. Review status: criteria provided, single submitter. Criteria: GeneDx Variant Classification Process June 2021. Collection method: clinical testing. Allele origin: germline. Affected: yes.
Comment: Not observed at significant frequency in large population cohorts (gnomAD); In silico analysis supports that this missense variant has a deleterious effect on protein structure/function; Has not been previously published as pathogenic or benign to our knowledge

Ambry Genetics
Classification: Uncertain significance for Inborn genetic diseases. Last evaluated: 2017-05-31. Review status: criteria provided, single submitter. Criteria: Ambry Variant Classification Scheme 2023. Collection method: clinical testing. Allele origin: germline.
Comment: The p.M740T variant (also known as c.2219T>C), located in coding exon 13 of the GRIA3 gene, results from a T to C substitution at nucleotide position 2219. The methionine at codon 740 is replaced by threonine, an amino acid with similar properties. This amino acid position is highly conserved in available vertebrate species. In addition, the in silico prediction for this alteration is inconclusive. Since supporting evidence is limited at this time, the clinical significance of this alteration remains unclear.

NM_007325.5(GRIA3):c.2219T>C (p.Met740Thr)

Gene: GRIA3 (glutamate ionotropic receptor AMPA type subunit 3; plus strand). Cytogenetic location: Xq25.
Variant type: single nucleotide variant.
Coding change: c.2219T>C on transcript NM_007325.5 (MANE Select); coding-DNA position 2219, T replaced by C.
Protein change: p.Met740Thr; replaces methionine 740 with threonine.
Molecular consequence: missense variant.
Genome position (GRCh38, 1-based): chrX:123,465,007, T>C. VCF-style: chrX-123465007-T-C. GRCh37 (hg19) VCF-style: chrX-122598858-T-C.
Other names: c.2219T>C, p.Met740Thr (NM_000828.5); short protein forms M740T.
Identifiers: ClinVar variation 589203 (VCV000589203.7), dbSNP rs1569441267, ClinGen allele CA414265232.